The following is an entry in ClinVar:

NM_000497.4(CYP11B1):c.*634G>A

Gene: CYP11B1 (cytochrome P450 family 11 subfamily B member 1; minus strand). Cytogenetic location: 8q24.3.
Variant type: single nucleotide variant.
Coding change: c.*634G>A on transcript NM_000497.4 (MANE Select); 634 bases downstream of the stop codon, G replaced by A.
Molecular consequence: 3 prime UTR variant.
Genome position (GRCh38, 1-based): chr8:142,873,739, C>T on the plus strand (G>A on the coding strand, the complement: CYP11B1 is on the minus strand). VCF-style: chr8-142873739-C-T. GRCh37 (hg19) VCF-style: chr8-143955155-C-T.
Other names: c.*634G>A (NM_001026213.1).
Identifiers: ClinVar variation 362132 (VCV000362132.5), dbSNP rs1137481, ClinGen allele CA10624943.

ClinVar aggregate classification (germline): Benign/Likely benign. Review status: criteria provided, single submitter (1 of 4 stars). 2 submissions from 1 submitter: Benign (1); Likely benign (1). Last evaluated 2018-01-13.

Conditions:
Deficiency of steroid 11-beta-monooxygenase (CYP11B1). Also called: ADRENAL HYPERPLASIA, CONGENITAL, DUE TO STEROID 11-BETA-HYDROXYLASE DEFICIENCY; 11-BETA-HYDROXYLASE DEFICIENCY; ADRENAL HYPERPLASIA IV; P450C11B1 DEFICIENCY; STEROID 11-BETA-HYDROXYLASE DEFICIENCY; Congenital adrenal hyperplasia due to 11-beta-hydroxylase deficiency. Identifiers: Orphanet 90795, MedGen C0268292, MONDO:0008729, OMIM 202010. Disease mechanism: loss of function.
Glucocorticoid-remediable aldosteronism. Also called: Hyperaldosteronism, familial, type I; ACTH-DEPENDENT HYPERALDOSTERONISM SYNDROME; ALDOSTERONISM, SENSITIVE TO DEXAMETHASONE; FH I; GLUCOCORTICOID-SUPPRESSIBLE HYPERALDOSTERONISM. Identifiers: Orphanet 403, MedGen C3838731, MONDO:0007080, OMIM 103900.

Allele frequency attached by ClinVar (database versions not stated): gnomAD exomes 0.00124; gnomAD 0.00126 and 0.00194; TOPMed 0.00141; 1000 Genomes Project 30x 0.00593; 1000 Genomes Project 0.00699.

Submissions (2):

Illumina Laboratory Services, Illumina
Classification: Likely benign for Deficiency of steroid 11-beta-monooxygenase. Last evaluated: 2018-01-13. Review status: criteria provided, single submitter. Criteria: ICSL Variant Classification Criteria 13 December 2019. Collection method: clinical testing. Allele origin: germline.
Comment: This variant was observed in the ICSL laboratory as part of a predisposition screen in an ostensibly healthy population. It had not been previously curated by ICSL or reported in the Human Gene Mutation Database (HGMD: prior to June 1st, 2018), and was therefore a candidate for classification through an automated scoring system. Utilizing variant allele frequency, disease prevalence and penetrance estimates, and inheritance mode, an automated score was calculated to assess if this variant is too frequent to cause the disease. Based on the score and internal cut-off values, a variant classified as likely benign is not then subjected to further curation. The score for this variant resulted in a classification of likely benign for this disease.

Illumina Laboratory Services, Illumina
Classification: Benign for Glucocorticoid-remediable aldosteronism. Last evaluated: 2018-01-13. Review status: criteria provided, single submitter. Criteria: ICSL Variant Classification Criteria 13 December 2019. Collection method: clinical testing. Allele origin: germline.
Comment: This variant was observed in the ICSL laboratory as part of a predisposition screen in an ostensibly healthy population. It had not been previously curated by ICSL or reported in the Human Gene Mutation Database (HGMD: prior to June 1st, 2018), and was therefore a candidate for classification through an automated scoring system. Utilizing variant allele frequency, disease prevalence and penetrance estimates, and inheritance mode, an automated score was calculated to assess if this variant is too frequent to cause the disease. Based on the score and internal cut-off values, a variant classified as benign is not then subjected to further curation. The score for this variant resulted in a classification of benign for this disease.